The following is an entry in ClinVar:

ClinVar aggregate classification (germline): Uncertain significance (1 of 4 stars; one submission).

Submission:

Women's Health and Genetics/Laboratory Corporation of America, LabCorp
Classification: Uncertain significance. Last evaluated: 2022-06-14. Review status: criteria provided, single submitter. Criteria: LabCorp Variant Classification Summary - May 2015. Collection method: clinical testing. Allele origin: germline.
Comment: Variant summary: ABCA7 c.2535dupC (p.Gly846ArgfsX49) results in a premature termination codon, predicted to cause a truncation of the encoded protein or absence of the protein due to nonsense mediated decay. An association between loss-of-function variants in the ABCA7 gene and susceptibility to Alzheimer disease has been described in the literature by case-control studies (PMIDs: 25807283, 26141617, 26101835, 27037229). The variant allele was found at a frequency of 2.1e-05 in 236342 control chromosomes (gnomAD). To our knowledge, no occurrence of c.2535dupC in individuals affected with Alzheimer Disease, Type 9 and no experimental evidence demonstrating its impact on protein function have been reported. No clinical diagnostic laboratories have submitted clinical-significance assessments for this variant to ClinVar after 2014. Based on the evidence outlined above, the variant was classified as VUS-possibly pathogenic.

NM_019112.4(ABCA7):c.2535dup (p.Gly846fs)

Gene: ABCA7 (ATP binding cassette subfamily A member 7; plus strand). Cytogenetic location: 19p13.3.
Variant type: Duplication.
Coding change: c.2535dup on transcript NM_019112.4 (MANE Select); coding-DNA position 2535, one base duplicated (C; older notation c.2535dupC).
Protein change: p.Gly846fs; shifts the reading frame from glycine 846.
Molecular consequence: frameshift variant.
Genome position (GRCh38, 1-based): chr19:1,049,420, C duplicated; the last of 2 consecutive C bases (chr19:1,049,419-1,049,420); duplicating either gives the same sequence. VCF-style (leftmost placement, unchanged base first): chr19-1049418-G-GC. GRCh37 (hg19) VCF-style: chr19-1049417-G-GC.
Other names: short protein forms G846fs.
Identifiers: ClinVar variation 1698559 (VCV001698559.1), dbSNP rs1487739224, ClinGen allele CA631038065.
Genomic context (GRCh38, chr19:1,049,418, plus strand): 5'-CGGGGGCTCAGCCTGGACTTCTACCAGGGCCACATCACCGCCTTCCTGGGCCACAACGGG[G>GC]CCGGCAAGACCACCACCCTGTGAGCCCCCAACCACTCCCTCCCCGTGAGCCCCCCCACTC-3'